The following is an entry in ClinVar:

NM_015072.5(TTLL5):c.501T>C (p.Cys167=)

Gene: TTLL5 (tubulin tyrosine ligase like 5; plus strand). Cytogenetic location: 14q24.3.
Variant type: single nucleotide variant.
Coding change: c.501T>C on transcript NM_015072.5 (MANE Select); coding-DNA position 501, T replaced by C.
Protein change: p.Cys167=; no amino-acid change (cysteine 167 retained).
Molecular consequence: synonymous variant.
Genome position (GRCh38, 1-based): chr14:75,690,321, T>C. VCF-style: chr14-75690321-T-C. GRCh37 (hg19) VCF-style: chr14-76156664-T-C.
Identifiers: ClinVar variation 840204 (VCV000840204.10), dbSNP rs367911993, ClinGen allele CA7278942.

ClinVar aggregate classification (germline): Conflicting classifications of pathogenicity. Review status: criteria provided, conflicting classifications (1 of 4 stars). 3 submissions from 3 submitters: Uncertain significance (1); Likely benign (2). Last evaluated 2026-07-30.

Conditions:
TTLL5-related disorder. Also called: TTLL5-related condition.

Allele frequency attached by ClinVar (database versions not stated): gnomAD exomes 0.00001 and 0.00003; ExAC 0.00004; TOPMed 0.00014; gnomAD 0.00018 and 0.00019; 1000 Genomes Project 0.00020; ESP Exome Variant Server 0.00023; 1000 Genomes Project 30x 0.00031.
gnomAD v4.1: 43 of 1,605,162 alleles (0.0027%); highest among the groups gnomAD compares: African/African-American, 0.047%; no homozygotes.

Submissions (3):

PreventionGenetics, part of Exact Sciences
Classification: Likely benign for TTLL5-related condition. Last evaluated: 2026-07-30. Review status: criteria provided, single submitter. Criteria: ACMG Guidelines, 2015. Collection method: clinical testing. Allele origin: germline.
Comment: This variant is classified as likely benign based on ACMG/AMP sequence variant interpretation guidelines (Richards et al. 2015 PMID: 25741868, with internal and published modifications).

Labcorp Genetics (formerly Invitae), Labcorp
Classification: Uncertain significance. Last evaluated: 2025-03-31. Review status: criteria provided, single submitter. Criteria: Invitae Variant Classification Sherloc (09022015). Collection method: clinical testing. Allele origin: germline.
Comment: This sequence change affects codon 167 of the TTLL5 mRNA. It is a 'silent' change, meaning that it does not change the encoded amino acid sequence of the TTLL5 protein. It affects a nucleotide within the consensus splice site. This variant is present in population databases (rs367911993, gnomAD 0.05%). This variant has not been reported in the literature in individuals affected with TTLL5-related conditions. ClinVar contains an entry for this variant (Variation ID: 840204). Algorithms developed to predict the effect of sequence changes on RNA splicing suggest that this variant is not likely to affect RNA splicing. In summary, the available evidence is currently insufficient to determine the role of this variant in disease. Therefore, it has been classified as a Variant of Uncertain Significance.

Blueprint Genetics
Classification: Likely benign. Last evaluated: 2022-04-30. Review status: criteria provided, single submitter. Criteria: ACMG Guidelines, 2015. Collection method: clinical testing. Allele origin: germline.